The following is an entry in ClinVar:

NM_000435.3(NOTCH3):c.4646C>G (p.Ala1549Gly)

Gene: NOTCH3 (notch receptor 3; minus strand). Cytogenetic location: 19p13.12.
Variant type: single nucleotide variant.
Coding change: c.4646C>G on transcript NM_000435.3 (MANE Select); coding-DNA position 4646, C replaced by G.
Protein change: p.Ala1549Gly; replaces alanine 1549 with glycine.
Molecular consequence: missense variant.
Genome position (GRCh38, 1-based): chr19:15,174,158, G>C on the plus strand (C>G on the coding strand, the complement: NOTCH3 is on the minus strand). VCF-style: chr19-15174158-G-C. GRCh37 (hg19) VCF-style: chr19-15284969-G-C.
Other names: short protein forms A1549G.
Identifiers: ClinVar variation 4689330 (VCV004689330.1).

ClinVar aggregate classification (germline): Uncertain significance (1 of 4 stars; one submission).

gnomAD v4.1: 1 of 1,609,578 alleles (0.000062%); highest among the groups gnomAD compares: Non-Finnish European, 0.000085%; no homozygotes.

Submission:

Women's Health and Genetics/Laboratory Corporation of America, LabCorp
Classification: Uncertain significance. Last evaluated: 2026-01-16. Review status: criteria provided, single submitter. Criteria: LabCorp Variant Classification Summary - May 2015. Collection method: clinical testing. Allele origin: germline.
Comment: Variant summary: NOTCH3 c.4646C>G (p.Ala1549Gly) results in a non-conservative amino acid change in the encoded protein sequence. Algorithms developed to predict the effect of missense changes on protein structure and function are either unavailable or do not agree on the potential impact of this missense change. The variant was absent in 241514 control chromosomes. The available data on variant occurrences in the general population are insufficient to allow any conclusion about variant significance. To our knowledge, no occurrence of c.4646C>G in individuals affected with NOTCH3-related conditions and no experimental evidence demonstrating its impact on protein function have been reported. No submitters have cited clinical-significance assessments for this variant to ClinVar. Based on the evidence outlined above, the variant was classified as uncertain significance.